The following is an entry in ClinVar:

ClinVar aggregate classification (germline): Uncertain significance. Review status: criteria provided, multiple submitters, no conflicts (2 of 4 stars). 3 submissions from 3 submitters: Uncertain significance (3). Last evaluated 2025-06-09.

Conditions:
Hereditary cancer-predisposing syndrome. Also called: Tumor predisposition; Hereditary Cancer Syndrome; Hereditary neoplastic syndrome; Neoplastic Syndromes, Hereditary. Identifiers: Orphanet 140162, MedGen C0027672, MeSH D009386, MONDO:0015356.
Oligodontia-cancer predisposition syndrome. Also called: TOOTH AGENESIS-COLORECTAL CANCER SYNDROME. Identifiers: Orphanet 300576, MedGen C1837750, MONDO:0012075, OMIM 608615. Disease mechanism: loss of function.

Submissions (3):

Quest Diagnostics Nichols Institute San Juan Capistrano
Classification: Uncertain significance. Last evaluated: 2025-06-09. Review status: criteria provided, single submitter. Criteria: Quest Diagnostics criteria. Collection method: clinical testing. Allele origin: unknown.
Comment: The AXIN2 c.1873G>A (p.Glu625Lys) variant has not been reported in individuals with AXIN2-related conditions in the published literature. It also has not been reported in large, multi-ethnic general populations (Genome Aggregation Database). Analysis of this variant using bioinformatics tools for the prediction of the effect of amino acid changes on protein structure and function yielded conflicting predictions that this variant is benign or damaging. Based on the available information, we are unable to determine the clinical significance of this variant.

Ambry Genetics
Classification: Uncertain significance for Hereditary cancer-predisposing syndrome. Last evaluated: 2025-01-19. Review status: criteria provided, single submitter. Criteria: Ambry Variant Classification Scheme 2023. Collection method: clinical testing. Allele origin: germline.
Comment: The p.E625K variant (also known as c.1873G>A), located in coding exon 6 of the AXIN2 gene, results from a G to A substitution at nucleotide position 1873. The glutamic acid at codon 625 is replaced by lysine, an amino acid with similar properties. This amino acid position is conserved. In addition, this alteration is predicted to be deleterious by in silico analysis. Based on the available evidence, the clinical significance of this variant remains unclear.

Labcorp Genetics (formerly Invitae), Labcorp
Classification: Uncertain significance for Oligodontia-cancer predisposition syndrome. Last evaluated: 2025-01-12. Review status: criteria provided, single submitter. Criteria: Invitae Variant Classification Sherloc (09022015). Collection method: clinical testing. Allele origin: germline.
Comment: This sequence change replaces glutamic acid, which is acidic and polar, with lysine, which is basic and polar, at codon 625 of the AXIN2 protein (p.Glu625Lys). This variant is not present in population databases (gnomAD no frequency). This variant has not been reported in the literature in individuals affected with AXIN2-related conditions. ClinVar contains an entry for this variant (Variation ID: 1480354). Invitae Evidence Modeling of protein sequence and biophysical properties (such as structural, functional, and spatial information, amino acid conservation, physicochemical variation, residue mobility, and thermodynamic stability) indicates that this missense variant is expected to disrupt AXIN2 protein function with a positive predictive value of 80%. In summary, the available evidence is currently insufficient to determine the role of this variant in disease. Therefore, it has been classified as a Variant of Uncertain Significance.

NM_004655.4(AXIN2):c.1873G>A (p.Glu625Lys)

Gene: AXIN2 (axin 2; minus strand). Cytogenetic location: 17q24.1.
Variant type: single nucleotide variant.
Coding change: c.1873G>A on transcript NM_004655.4 (MANE Select); coding-DNA position 1873, G replaced by A.
Protein change: p.Glu625Lys; replaces glutamic acid 625 with lysine.
Molecular consequence: missense variant. On other transcripts: intron variant (1).
Genome position (GRCh38, 1-based): chr17:65,536,903, C>T on the plus strand (G>A on the coding strand, the complement: AXIN2 is on the minus strand). VCF-style: chr17-65536903-C-T. GRCh37 (hg19) VCF-style: chr17-63533021-C-T.
Other names: c.1713-350G>A (NM_001363813.1); c.1873G>A (NM_004655.3); short protein forms E625K.
Identifiers: ClinVar variation 1480354 (VCV001480354.8), dbSNP rs2144448744, ClinGen allele CA400676442.